The following is an entry in ClinVar:

ClinVar aggregate classification (germline): Uncertain significance (1 of 4 stars; one submission).

Conditions:
GM3 synthase deficiency (SPDRS). Also called: AMISH INFANTILE EPILEPSY SYNDROME; SALT AND PEPPER MENTAL RETARDATION SYNDROME; SALT AND PEPPER DEVELOPMENTAL REGRESSION SYNDROME. Identifiers: Orphanet 171714, Orphanet 370933, MedGen C1836824, MONDO:0018274, OMIM 609056.

Submission:

Labcorp Genetics (formerly Invitae), Labcorp
Classification: Uncertain significance for GM3 synthase deficiency. Last evaluated: 2022-02-05. Review status: criteria provided, single submitter. Criteria: Invitae Variant Classification Sherloc (09022015). Collection method: clinical testing. Allele origin: germline.
Comment: This variant has not been reported in the literature in individuals affected with ST3GAL5-related conditions. This variant is not present in population databases (gnomAD no frequency). This sequence change replaces alanine, which is neutral and non-polar, with valine, which is neutral and non-polar, at codon 53 of the ST3GAL5 protein (p.Ala53Val). Algorithms developed to predict the effect of missense changes on protein structure and function are either unavailable or do not agree on the potential impact of this missense change (SIFT: "Deleterious"; PolyPhen-2: "Benign"; Align-GVGD: "Class C0"). In summary, the available evidence is currently insufficient to determine the role of this variant in disease. Therefore, it has been classified as a Variant of Uncertain Significance.

NM_003896.4(ST3GAL5):c.158C>T (p.Ala53Val)

Gene: ST3GAL5 (ST3 beta-galactoside alpha-2,3-sialyltransferase 5; minus strand). Cytogenetic location: 2p11.2.
Variant type: single nucleotide variant.
Coding change: c.158C>T on transcript NM_003896.4 (MANE Select); coding-DNA position 158, C replaced by T.
Protein change: p.Ala53Val; replaces alanine 53 with valine.
Molecular consequence: missense variant. On other transcripts: 5 prime UTR variant (5).
Genome position (GRCh38, 1-based): chr2:85,863,410, G>A on the plus strand (C>T on the coding strand, the complement: ST3GAL5 is on the minus strand). VCF-style: chr2-85863410-G-A. GRCh37 (hg19) VCF-style: chr2-86090533-G-A.
Other names: c.89C>T, p.Ala30Val (NM_001042437.2); c.-404C>T (NM_001354223.2, NM_001354226.2); c.-467C>T (NM_001354224.2); c.74C>T, p.Ala25Val (NM_001354227.2, NM_001354229.2, NM_001354238.1); c.-844C>T (NM_001354233.2); c.-808C>T (NM_001354234.1); c.158C>T, p.Ala53Val (NM_001363847.1); short protein forms A30V, A25V, A53V.
Identifiers: ClinVar variation 1369592 (VCV001369592.8), dbSNP rs2104079423, ClinGen allele CA347534891.